The following is an entry in ClinVar:

NM_001035.3(RYR2):c.10522A>G (p.Ile3508Val)

Gene: RYR2 (ryanodine receptor 2; plus strand). Cytogenetic location: 1q43.
Variant type: single nucleotide variant.
Coding change: c.10522A>G on transcript NM_001035.3 (MANE Select); coding-DNA position 10522, A replaced by G.
Protein change: p.Ile3508Val; replaces isoleucine 3508 with valine.
Molecular consequence: missense variant.
Genome position (GRCh38, 1-based): chr1:237,718,489, A>G. VCF-style: chr1-237718489-A-G. GRCh37 (hg19) VCF-style: chr1-237881789-A-G.
Other names: short protein forms I3508V.
Identifiers: ClinVar variation 4757589 (VCV004757589.1).

ClinVar aggregate classification (germline): Uncertain significance (1 of 4 stars; one submission).

Conditions:
Cardiomyopathy (CMYO). Also called: Cardiomyopathies. Identifiers: Orphanet 167848, MedGen C0878544, MONDO:0004994, HP:0001638. Inheritance: Various modes of inheritance.

gnomAD v4.1: 1 of 1,597,140 alleles (0.000063%); highest among the groups gnomAD compares: Non-Finnish European, 0.000086%; no homozygotes.

Submission:

Color Diagnostics, LLC DBA Color Health
Classification: Uncertain significance for Cardiomyopathy. Last evaluated: 2025-07-14. Review status: criteria provided, single submitter. Criteria: ACMG Guidelines, 2015. Collection method: clinical testing. Allele origin: germline.
Comment: This missense variant replaces isoleucine with valine at codon 3508 of the RYR2 protein. Computational prediction suggests that this variant may not impact protein structure and function. To our knowledge, functional studies have not been reported for this variant. This variant has not been reported in individuals affected with RYR2-related disorders in the literature. This variant has been identified in 1/248410 chromosomes in the general population by the Genome Aggregation Database (gnomAD). The available evidence is insufficient to determine the role of this variant in disease conclusively. Therefore, this variant is classified as a Variant of Uncertain Significance.